The following is an entry in ClinVar:

NM_001005242.3(PKP2):c.1457A>T (p.Asn486Ile)

Gene: PKP2 (plakophilin 2; minus strand). Cytogenetic location: 12p11.21.
Variant type: single nucleotide variant.
Coding change: c.1457A>T on transcript NM_001005242.3 (MANE Select); coding-DNA position 1457, A replaced by T.
Protein change: p.Asn486Ile; replaces asparagine 486 with isoleucine.
Molecular consequence: missense variant.
Genome position (GRCh38, 1-based): chr12:32,841,127, T>A on the plus strand (A>T on the coding strand, the complement: PKP2 is on the minus strand). VCF-style: chr12-32841127-T-A. GRCh37 (hg19) VCF-style: chr12-32994061-T-A.
Other names: c.1589A>T, p.Asn530Ile (NM_004572.4); short protein forms N530I, N486I.
Identifiers: ClinVar variation 842385 (VCV000842385.12), dbSNP rs780349259, ClinGen allele CA029534.

ClinVar aggregate classification (germline): Conflicting classifications of pathogenicity. Review status: criteria provided, conflicting classifications (1 of 4 stars). 5 submissions from 5 submitters: Uncertain significance (4); Likely benign (1). Last evaluated 2025-06-12.

Conditions:
Cardiovascular phenotype. Identifiers: MedGen CN230736.
PKP2-related disorder. Also called: PKP2-related condition.
Arrhythmogenic right ventricular cardiomyopathy (ARVD). Also called: Cardiomyopathy, ARVC; Arrhythmogenic right ventricular dysplasia; Arrhythmogenic cardiomyopathy; Arrhythmogenic Right Ventricular Cardiomyopathy (ARVC). Identifiers: Orphanet 247, MedGen C0349788, MeSH D019571, MONDO:0016587. Disease mechanism: loss of function. Inheritance: Various modes of inheritance.
Cardiomyopathy (CMYO). Also called: Cardiomyopathies. Identifiers: Orphanet 167848, MedGen C0878544, MONDO:0004994, HP:0001638. Inheritance: Various modes of inheritance.
Arrhythmogenic right ventricular dysplasia 9 (ARVD9). Also called: Arrhythmogenic Right Ventricular Dysplasia/Cardiomyopathy 9; ARRHYTHMOGENIC RIGHT VENTRICULAR DYSPLASIA, FAMILIAL, 9. Identifiers: MedGen C1836906, MONDO:0012180, OMIM 609040.

Allele frequency attached by ClinVar (database versions not stated): TOPMed below 0.00001; gnomAD 0.00001; gnomAD exomes 0.00007; ExAC 0.00011.
gnomAD v4.1: 43 of 1,613,264 alleles (0.0027%); highest among the groups gnomAD compares: Non-Finnish European, 0.0021%; no homozygotes.

Submissions (5):

Color Diagnostics, LLC DBA Color Health
Classification: Likely benign for Cardiomyopathy. Last evaluated: 2025-06-12. Review status: criteria provided, single submitter. Criteria: ACMG Guidelines, 2015. Collection method: clinical testing. Allele origin: germline.

Labcorp Genetics (formerly Invitae), Labcorp
Classification: Uncertain significance for Arrhythmogenic right ventricular dysplasia 9. Last evaluated: 2025-04-24. Review status: criteria provided, single submitter. Criteria: Invitae Variant Classification Sherloc (09022015). Collection method: clinical testing. Allele origin: germline.
Comment: This sequence change replaces asparagine, which is neutral and polar, with isoleucine, which is neutral and non-polar, at codon 530 of the PKP2 protein (p.Asn530Ile). This variant is present in population databases (rs780349259, gnomAD 0.01%). This variant has not been reported in the literature in individuals affected with PKP2-related conditions. ClinVar contains an entry for this variant (Variation ID: 842385). An algorithm developed to predict the effect of missense changes on protein structure and function outputs the following: PolyPhen-2: "Benign". The isoleucine amino acid residue is found in multiple mammalian species, which suggests that this missense change does not adversely affect protein function. In summary, the available evidence is currently insufficient to determine the role of this variant in disease. Therefore, it has been classified as a Variant of Uncertain Significance.

All of Us Research Program, National Institutes of Health
Classification: Uncertain significance for Arrhythmogenic right ventricular cardiomyopathy. Last evaluated: 2023-11-02. Review status: criteria provided, single submitter. Criteria: ACMG Guidelines, 2015. Collection method: clinical testing. Allele origin: germline. Inheritance: Autosomal dominant inheritance. Observed: 3 variant alleles, 3 heterozygotes.
Comment: This missense variant replaces asparagine with isoleucine at codon 530 of the PKP2 protein. Computational prediction suggests that this variant may not impact protein structure and function (internally defined REVEL score threshold <= 0.5, PMID: 27666373). To our knowledge, functional studies have not been reported for this variant. This variant has not been reported in individuals affected with PKP2-related disorders in the literature. This variant has been identified in 17/251384 chromosomes in the general population by the Genome Aggregation Database (gnomAD). The available evidence is insufficient to determine the role of this variant in disease conclusively. Therefore, this variant is classified as a Variant of Uncertain Significance.

This study involves interpretation of variants in research participants for the purpose of population health screening. Participant phenotype was not available at the time of variant classification. Additional details can be found in publication PMID: 35346344, PMCID: PMC8962531

PreventionGenetics, part of Exact Sciences
Classification: Uncertain significance for PKP2-related condition. Last evaluated: 2022-12-09. Review status: criteria provided, single submitter. Criteria: ACMG Guidelines, 2015. Collection method: clinical testing. Allele origin: germline.
Comment: The PKP2 c.1589A>T variant is predicted to result in the amino acid substitution p.Asn530Ile. To our knowledge, this variant has not been reported in the literature. This variant is reported in 0.018% of alleles in individuals of European (Finnish) descent in gnomAD. Although we suspect that this variant may be benign, at this time, the clinical significance of this variant is uncertain due to the absence of conclusive functional and genetic evidence.

Ambry Genetics
Classification: Uncertain significance for Cardiovascular phenotype. Last evaluated: 2019-12-11. Review status: criteria provided, single submitter. Criteria: Ambry Variant Classification Scheme 2023. Collection method: clinical testing. Allele origin: germline.
Comment: The p.N530I variant (also known as c.1589A>T), located in coding exon 7 of the PKP2 gene, results from an A to T substitution at nucleotide position 1589. The asparagine at codon 530 is replaced by isoleucine, an amino acid with dissimilar properties. This amino acid position is poorly conserved in available vertebrate species. In addition, this alteration is predicted to be tolerated by in silico analysis. Since supporting evidence is limited at this time, the clinical significance of this alteration remains unclear.